The following is an entry in ClinVar:

ClinVar aggregate classification (germline): Uncertain significance (1 of 4 stars; one submission).

Conditions:
Hermansky-Pudlak syndrome 2 (HPS2). Also called: Platelet defects and oculocutaneous albinism. Identifiers: Orphanet 183678, Orphanet 79430, MedGen C1842362, MONDO:0011997, OMIM 608233.

Allele frequency attached by ClinVar (database versions not stated): ExAC 0.00001.

Submission:

Labcorp Genetics (formerly Invitae), Labcorp
Classification: Uncertain significance for Hermansky-Pudlak syndrome 2. Last evaluated: 2023-03-24. Review status: criteria provided, single submitter. Criteria: Invitae Variant Classification Sherloc (09022015). Collection method: clinical testing. Allele origin: germline.
Comment: This sequence change replaces aspartic acid, which is acidic and polar, with glycine, which is neutral and non-polar, at codon 161 of the AP3B1 protein (p.Asp161Gly). This variant is present in population databases (rs776980005, gnomAD 0.003%). This variant has not been reported in the literature in individuals affected with AP3B1-related conditions. An algorithm developed to predict the effect of missense changes on protein structure and function (PolyPhen-2) suggests that this variant is likely to be disruptive. In summary, the available evidence is currently insufficient to determine the role of this variant in disease. Therefore, it has been classified as a Variant of Uncertain Significance.

NM_003664.5(AP3B1):c.482A>G (p.Asp161Gly)

Gene: AP3B1 (adaptor related protein complex 3 subunit beta 1; minus strand). Cytogenetic location: 5q14.1.
Variant type: single nucleotide variant.
Coding change: c.482A>G on transcript NM_003664.5 (MANE Select); coding-DNA position 482, A replaced by G.
Protein change: p.Asp161Gly; replaces aspartic acid 161 with glycine.
Molecular consequence: missense variant.
Genome position (GRCh38, 1-based): chr5:78,227,426, T>C on the plus strand (A>G on the coding strand, the complement: AP3B1 is on the minus strand). VCF-style: chr5-78227426-T-C. GRCh37 (hg19) VCF-style: chr5-77523250-T-C.
Other names: c.335A>G, p.Asp112Gly (NM_001271769.2); c.482A>G, p.Asp161Gly (NM_001410752.1); short protein forms D112G, D161G.
Identifiers: ClinVar variation 2804721 (VCV002804721.3), dbSNP rs776980005, ClinGen allele CA3317355.